The following is an entry in ClinVar:

ClinVar aggregate classification (germline): Pathogenic/Likely pathogenic. Review status: criteria provided, multiple submitters, no conflicts (2 of 4 stars). 3 submissions from 3 submitters: Pathogenic (1); Likely pathogenic (2). Last evaluated 2025-02-20.

Conditions:
Duchenne muscular dystrophy (DMD). Also called: Duchenne Muscular Dystrophy (DMD); MUSCULAR DYSTROPHY, PSEUDOHYPERTROPHIC PROGRESSIVE, DUCHENNE TYPE. Identifiers: Orphanet 98896, MedGen C0013264, MONDO:0010679, OMIM 310200.

Submissions (3):

Labcorp Genetics (formerly Invitae), Labcorp
Classification: Likely pathogenic for Duchenne muscular dystrophy. Last evaluated: 2025-02-20. Review status: criteria provided, single submitter. Criteria: Invitae Variant Classification Sherloc (09022015). Collection method: clinical testing. Allele origin: germline.
Comment: This variant, c.482_484del, results in the deletion of 1 amino acid(s) of the DMD protein (p.Thr161del), but otherwise preserves the integrity of the reading frame. This variant is not present in population databases (gnomAD no frequency). This variant has been observed in individuals with Duchenne or Becker muscular dystrophy (PMID: 25900853; LeidenOpenVariationDatabase). ClinVar contains an entry for this variant (Variation ID: 572489). In summary, the currently available evidence indicates that the variant is pathogenic, but additional data are needed to prove that conclusively. Therefore, this variant has been classified as Likely Pathogenic.

GeneDx
Classification: Pathogenic. Last evaluated: 2021-12-28. Review status: criteria provided, single submitter. Criteria: GeneDx Variant Classification Process June 2021. Collection method: clinical testing. Allele origin: germline. Affected: yes.
Comment: Not observed in large population cohorts (Lek et al., 2016); In-frame deletion of 1 amino acid in a non-repeat region; In silico analysis, which includes protein predictors and evolutionary conservation, supports a deleterious effect This variant is associated with the following publications: (PMID: 25900853)

Mendelics
Classification: Likely pathogenic for Duchenne muscular dystrophy. Last evaluated: 2019-05-28. Review status: criteria provided, single submitter. Criteria: Mendelics Assertion Criteria 2017. Collection method: clinical testing. Allele origin: unknown.

Literature cited by the submitters: PubMed 25900853 (cited by Labcorp Genetics (formerly Invitae), Labcorp).

NM_004006.3(DMD):c.479CCA[1] (p.Thr161del)

Gene: DMD (dystrophin; minus strand). Cytogenetic location: Xp21.1.
Variant type: Microsatellite.
Coding change: c.479CCA[1] on transcript NM_004006.3 (MANE Select); one copy of the 3-base unit CCA starting at c.479; the reference has two copies in a row; one copy, 3 bases deleted.
Protein change: p.Thr161del; deletes threonine 161.
Molecular consequence: inframe deletion.
Genome position (GRCh38, 1-based): chrX:32,816,514-32,816,516, TGG deleted on the plus strand (CCA on the coding strand, the reverse complement: DMD is on the minus strand); deleting any 3 consecutive bases within chrX:32,816,514-32,816,521 gives the same sequence; the position shown is the placement nearest the transcript's 3' end. VCF-style (leftmost placement, unchanged base first): chrX-32816513-CTGG-C. GRCh37 (hg19) VCF-style: chrX-32834630-CTGG-C.
Other names: c.455CCA[1], p.Thr153del (NM_000109.4); c.467CCA[1], p.Thr157del (NM_004009.3); c.110CCA[1], p.Thr38del (NM_004010.3); c.482_484delCCA (NM_004006.2); short protein forms T161del, T153del, T157del, T38del.
Identifiers: ClinVar variation 572489 (VCV000572489.12), dbSNP rs1569528101, ClinGen allele CA891844166.